The following is an entry in ClinVar:

ClinVar aggregate classification (germline): Uncertain significance (1 of 4 stars; one submission).

Submission:

Ambry Genetics
Classification: Uncertain significance. Last evaluated: 2024-08-07. Review status: criteria provided, single submitter. Criteria: Ambry Variant Classification Scheme 2023. Collection method: clinical testing. Allele origin: germline.
Comment: The p.E142K variant (also known as c.424G>A), located in coding exon 3 of the ALPK2 gene, results from a G to A substitution at nucleotide position 424. The glutamic acid at codon 142 is replaced by lysine, an amino acid with similar properties. This amino acid position is conserved. In addition, this alteration is predicted to be tolerated by in silico analysis. Since supporting evidence is limited at this time, the clinical significance of this alteration remains unclear.

NM_052947.4(ALPK2):c.424G>A (p.Glu142Lys)

Gene: ALPK2 (alpha kinase 2; minus strand). Cytogenetic location: 18q21.31.
Variant type: single nucleotide variant.
Coding change: c.424G>A on transcript NM_052947.4 (MANE Select); coding-DNA position 424, G replaced by A.
Protein change: p.Glu142Lys; replaces glutamic acid 142 with lysine.
Molecular consequence: missense variant.
Genome position (GRCh38, 1-based): chr18:58,580,352, C>T on the plus strand (G>A on the coding strand, the complement: ALPK2 is on the minus strand). VCF-style: chr18-58580352-C-T. GRCh37 (hg19) VCF-style: chr18-56247584-C-T.
Other names: short protein forms E142K.
Identifiers: ClinVar variation 1739068 (VCV001739068.3), dbSNP rs2518900266, ClinGen allele CA402568005.